The following is an entry in ClinVar:

NM_015443.4(KANSL1):c.520A>G (p.Thr174Ala)

Gene: KANSL1 (KAT8 regulatory NSL complex subunit 1). Cytogenetic location: 17q21.31.
Variant type: single nucleotide variant.
Coding change: c.520A>G on transcript NM_015443.4 (MANE Select); coding-DNA position 520, A replaced by G.
Protein change: p.Thr174Ala; replaces threonine 174 with alanine.
Molecular consequence: missense variant.
Genome position (GRCh38, 1-based): chr17:46,171,624, T>C on the plus strand (A>G on the coding strand, the complement: KANSL1 is on the minus strand). VCF-style: chr17-46171624-T-C. GRCh37 (hg19) VCF-style: chr17-44248990-T-C.
Other names: c.520A>G, p.Thr174Ala (NM_001193465.2, NM_001193466.2, NM_001379198.1); short protein forms T174A.
Identifiers: ClinVar variation 379665 (VCV000379665.1), dbSNP rs1057520684, ClinGen allele CA16608503.

ClinVar aggregate classification (germline): Likely benign (1 of 4 stars; one submission).

Allele frequency attached by ClinVar (database versions not stated): gnomAD 0.00001; gnomAD exomes 0.00001; TOPMed 0.00001.
gnomAD v4.1: 20 of 1,573,514 alleles (0.0013%); highest among the groups gnomAD compares: South Asian, 0.011%; no homozygotes.

Submission:

GeneDx
Classification: Likely benign. Last evaluated: 2015-05-06. Review status: criteria provided, single submitter. Criteria: GeneDx Variant Classification (06012015). Collection method: clinical testing. Allele origin: germline. Affected: yes.
Comment: This variant is considered likely benign or benign based on one or more of the following criteria: it is a conservative change, it occurs at a poorly conserved position in the protein, it is predicted to be benign by multiple in silico algorithms, and/or has population frequency not consistent with disease.